The following is an entry in ClinVar:

NM_002693.3(POLG):c.1336_1337delinsTT (p.Ala446Leu)

Gene: POLG (DNA polymerase gamma, catalytic subunit; minus strand). Cytogenetic location: 15q26.1.
Variant type: Indel.
Coding change: c.1336_1337delinsTT on transcript NM_002693.3 (MANE Select); coding-DNA positions 1336 to 1337, GC replaced by TT.
Protein change: p.Ala446Leu; replaces alanine 446 with leucine.
Molecular consequence: missense variant.
Genome position (GRCh38, 1-based): chr15:89,327,263-89,327,264, GC replaced by AA on the plus strand (GC replaced by TT on the coding strand, the reverse complement: POLG is on the minus strand). VCF-style: chr15-89327263-GC-AA. GRCh37 (hg19) VCF-style: chr15-89870494-GC-AA.
Other names: c.1336_1337delinsTT, p.Ala446Leu (NM_001126131.2); short protein forms A446L.
Identifiers: ClinVar variation 1402991 (VCV001402991.6), dbSNP rs2152067113, ClinGen allele CA2573130107.
Genomic context (GRCh38, chr15:89,327,263, plus strand): 5'-AGATCCATCAACGACTTCTTCATCTCCCGCTGGAGCTCCTCATAAGTGCCCTGTGCCTCT[GC>AA]CAGGTAACGCTCCCAGTTCTGGTTGACAGGCAGGTAGGAGACACCCATCTCCAGCATGCC-3'
Protein context (NP_002684.1, residues 436-456): PVNQNWERYL[Ala446Leu]EAQGTYEELQ

ClinVar aggregate classification (germline): Uncertain significance (1 of 4 stars; one submission).

Conditions:
Progressive sclerosing poliodystrophy (MTDPS4A). Also called: Mitochondrial DNA depletion syndrome 4A (Alpers type); ALPERS PROGRESSIVE INFANTILE POLIODYSTROPHY; NEURONAL DEGENERATION OF CHILDHOOD WITH LIVER DISEASE, PROGRESSIVE; Mitochondrial DNA Depletion Syndrome 4A; Alpers-Huttenlocher Syndrome (AHS); Alpers Syndrome. Identifiers: Orphanet 726, MedGen C0205710, MONDO:0008758, OMIM 203700.

Submission:

Labcorp Genetics (formerly Invitae), Labcorp
Classification: Uncertain significance for Progressive sclerosing poliodystrophy. Last evaluated: 2021-10-05. Review status: criteria provided, single submitter. Criteria: Invitae Variant Classification Sherloc (09022015). Collection method: clinical testing. Allele origin: germline.
Comment: In summary, the available evidence is currently insufficient to determine the role of this variant in disease. Therefore, it has been classified as a Variant of Uncertain Significance. Algorithms developed to predict the effect of missense changes on protein structure and function are either unavailable or do not agree on the potential impact of this missense change (SIFT: "Not Available"; PolyPhen-2: "Benign"; Align-GVGD: "Not Available"). This variant has not been reported in the literature in individuals affected with POLG-related conditions. The frequency data for this variant in the population databases is not available, as this variant may be reported as separate entries in the ExAC database. This sequence change replaces alanine with leucine at codon 446 of the POLG protein (p.Ala446Leu). There is a moderate physicochemical difference between alanine and leucine.